The following is an entry in ClinVar:

ClinVar aggregate classification (germline): Benign. Review status: criteria provided, multiple submitters, no conflicts (2 of 4 stars). 3 submissions from 3 submitters: Benign (3). Last evaluated 2025-03-11.

Allele frequency attached by ClinVar (database versions not stated): TOPMed 0.00055; ESP Exome Variant Server 0.00062; ExAC 0.00063; gnomAD exomes 0.00037; gnomAD 0.00048.
gnomAD v4.1: 678 of 1,613,848 alleles (0.042%); highest among the groups gnomAD compares: Middle Eastern, 0.016%; 6 homozygotes.

Submissions (3):

Labcorp Genetics (formerly Invitae), Labcorp
Classification: Benign. Last evaluated: 2025-03-11. Review status: criteria provided, single submitter. Criteria: Invitae Variant Classification Sherloc (09022015). Collection method: clinical testing. Allele origin: germline.

Mayo Clinic Laboratories, Mayo Clinic
Classification: Benign. Last evaluated: 2023-12-13. Review status: criteria provided, single submitter. Criteria: ACMG Guidelines, 2015. Collection method: clinical testing. Allele origin: germline. Observed: 2 variant alleles.
Comment: BS1, BS2, BP4

Breakthrough Genomics
Classification: Benign. Review status: criteria provided, single submitter. Criteria: ACMG Guidelines, 2015. Collection method: not provided. Allele origin: germline. Inheritance: Autosomal dominant inheritance. Affected: yes.

NM_012268.4(PLD3):c.1355G>A (p.Gly452Glu)

Gene: PLD3 (phospholipase D family member 3; plus strand). Cytogenetic location: 19q13.2.
Variant type: single nucleotide variant.
Coding change: c.1355G>A on transcript NM_012268.4 (MANE Select); coding-DNA position 1355, G replaced by A.
Protein change: p.Gly452Glu; replaces glycine 452 with glutamic acid.
Molecular consequence: missense variant.
Genome position (GRCh38, 1-based): chr19:40,378,055, G>A. VCF-style: chr19-40378055-G-A. GRCh37 (hg19) VCF-style: chr19-40883962-G-A.
Other names: p.Gly452Glu; c.1355G>A, p.Gly452Glu (NM_001031696.4, NM_001291311.2); short protein forms G452E.
Identifiers: ClinVar variation 2072245 (VCV002072245.6), dbSNP rs138694915, ClinGen allele CA9443037.